The following is an entry in ClinVar:

ClinVar aggregate classification (germline): Pathogenic (1 of 4 stars; one submission).

Conditions:
Vici syndrome (VICIS). Identifiers: Orphanet 1493, MedGen C1855772, MONDO:0009452, OMIM 242840.

gnomAD v4.1: 2 of 1,613,790 alleles (0.00012%); highest among the groups gnomAD compares: Non-Finnish European, 0.00017%; no homozygotes.

Submission:

Labcorp Genetics (formerly Invitae), Labcorp
Classification: Pathogenic for Vici syndrome. Last evaluated: 2023-05-28. Review status: criteria provided, single submitter. Criteria: Invitae Variant Classification Sherloc (09022015). Collection method: clinical testing. Allele origin: germline.
Comment: This sequence change creates a premature translational stop signal (p.Gln1109*) in the EPG5 gene. It is expected to result in an absent or disrupted protein product. Loss-of-function variants in EPG5 are known to be pathogenic (PMID: 23222957, 23674064). This variant is not present in population databases (gnomAD no frequency). This variant has not been reported in the literature in individuals affected with EPG5-related conditions. For these reasons, this variant has been classified as Pathogenic.

Literature cited by the submitters: PubMed 23222957; PubMed 23674064.

NM_020964.3(EPG5):c.3325C>T (p.Gln1109Ter)

Gene: EPG5 (ectopic P-granules 5 autophagy tethering factor; minus strand). Cytogenetic location: 18q21.1.
Variant type: single nucleotide variant.
Coding change: c.3325C>T on transcript NM_020964.3 (MANE Select); coding-DNA position 3325, C replaced by T.
Protein change: p.Gln1109Ter; replaces glutamine 1109 with a stop codon.
Molecular consequence: nonsense.
Genome position (GRCh38, 1-based): chr18:45,916,497, G>A on the plus strand (C>T on the coding strand, the complement: EPG5 is on the minus strand). VCF-style: chr18-45916497-G-A. GRCh37 (hg19) VCF-style: chr18-43496462-G-A.
Other names: c.3325C>T, p.Gln1109Ter (NM_001410858.1, NM_001410859.1); short protein forms Q1109*.
Identifiers: ClinVar variation 2990004 (VCV002990004.3), dbSNP rs1279711396, ClinGen allele CA402343048.